The following is an entry in ClinVar:

ClinVar aggregate classification (germline): Uncertain significance (1 of 4 stars; one submission).

Conditions:
Catecholaminergic polymorphic ventricular tachycardia 1. Also called: RYR2-Related Catecholaminergic Polymorphic Ventricular Tachycardia; VENTRICULAR TACHYCARDIA, STRESS-INDUCED POLYMORPHIC 1; VENTRICULAR TACHYCARDIA, CATECHOLAMINERGIC POLYMORPHIC, 1, WITH OR WITHOUT ATRIAL DYSFUNCTION AND/OR DILATED CARDIOMYOPATHY. Identifiers: Orphanet 3286, MedGen C1631597, MONDO:0011484, OMIM 604772.

Submission:

Labcorp Genetics (formerly Invitae), Labcorp
Classification: Uncertain significance for Catecholaminergic polymorphic ventricular tachycardia 1. Last evaluated: 2022-06-22. Review status: criteria provided, single submitter. Criteria: Invitae Variant Classification Sherloc (09022015). Collection method: clinical testing. Allele origin: germline.
Comment: In summary, the available evidence is currently insufficient to determine the role of this variant in disease. Therefore, it has been classified as a Variant of Uncertain Significance. Algorithms developed to predict the effect of missense changes on protein structure and function are either unavailable or do not agree on the potential impact of this missense change (SIFT: "Deleterious"; PolyPhen-2: "Possibly Damaging"; Align-GVGD: "Class C0"). This variant has not been reported in the literature in individuals affected with TRDN-related conditions. This variant is not present in population databases (gnomAD no frequency). This sequence change replaces lysine, which is basic and polar, with methionine, which is neutral and non-polar, at codon 316 of the TRDN protein (p.Lys316Met).

NM_006073.4(TRDN):c.947A>T (p.Lys316Met)

Gene: TRDN (triadin; minus strand). Cytogenetic location: 6q22.31.
Variant type: single nucleotide variant.
Coding change: c.947A>T on transcript NM_006073.4 (MANE Select); coding-DNA position 947, A replaced by T.
Protein change: p.Lys316Met; replaces lysine 316 with methionine.
Molecular consequence: missense variant.
Genome position (GRCh38, 1-based): chr6:123,438,988, T>A on the plus strand (A>T on the coding strand, the complement: TRDN is on the minus strand). VCF-style: chr6-123438988-T-A. GRCh37 (hg19) VCF-style: chr6-123760133-T-A.
Other names: c.947A>T, p.Lys316Met (NM_001251987.2); c.887A>T, p.Lys296Met (NM_001407315.1); short protein forms K296M, K316M.
Identifiers: ClinVar variation 1906178 (VCV001906178.5), dbSNP rs1200632068, ClinGen allele CA365566376.